The following is an entry in ClinVar:

NM_004369.4(COL6A3):c.9508G>A (p.Gly3170Arg)

Genes: COL6A3 (collagen type VI alpha 3 chain; minus strand), LOC126806573 (CDK7 strongly-dependent group 2 enhancer GRCh37_chr2:238233151-238234350; plus strand). Cytogenetic location: 2q37.3.
Variant type: single nucleotide variant.
Coding change: c.9508G>A on transcript NM_004369.4 (MANE Select); coding-DNA position 9508, G replaced by A.
Protein change: p.Gly3170Arg; replaces glycine 3170 with arginine.
Molecular consequence: missense variant.
Genome position (GRCh38, 1-based): chr2:237,324,800, C>T on the plus strand (G>A on the coding strand, the complement: COL6A3 is on the minus strand). VCF-style: chr2-237324800-C-T. GRCh37 (hg19) VCF-style: chr2-238233443-C-T.
Other names: c.7687G>A, p.Gly2563Arg (NM_057166.5); c.8890G>A, p.Gly2964Arg (NM_057167.4); short protein forms G3170R, G2563R, G2964R.
Identifiers: ClinVar variation 287900 (VCV000287900.20), dbSNP rs568632361, ClinGen allele CA10605907.

ClinVar aggregate classification (germline): Conflicting classifications of pathogenicity. Review status: criteria provided, conflicting classifications (1 of 4 stars). 5 submissions from 5 submitters: Uncertain significance (4); Benign (1). Last evaluated 2025-12-09.

Conditions:
COL6A3-related disorder. Also called: COL6A3-related condition; COL6A3-related disorders.
Bethlem myopathy 1A. Also called: MYOPATHY, BENIGN CONGENITAL, WITH CONTRACTURES; Bethlem myopathy 1; Bethlem Muscular Dystrophy. Identifiers: Orphanet 610, MedGen CN029274, MONDO:0024530, OMIM 158810.

Allele frequency attached by ClinVar (database versions not stated): gnomAD exomes 0.00004 and 0.00005; gnomAD 0.00005 and 0.00006; TOPMed 0.00006; 1000 Genomes Project 30x 0.00016; 1000 Genomes Project 0.00020.
gnomAD v4.1: 78 of 1,612,498 alleles (0.0048%); highest among the groups gnomAD compares: Middle Eastern, 0.05%; 1 homozygote.

Submissions (5):

Labcorp Genetics (formerly Invitae), Labcorp
Classification: Benign for Bethlem myopathy 1A. Last evaluated: 2025-12-09. Review status: criteria provided, single submitter. Criteria: Invitae Variant Classification Sherloc (09022015). Collection method: clinical testing. Allele origin: germline.

PreventionGenetics, part of Exact Sciences
Classification: Uncertain significance for COL6A3-related condition. Last evaluated: 2025-08-12. Review status: criteria provided, single submitter. Criteria: ACMG Guidelines, 2015. Collection method: clinical testing. Allele origin: germline.
Comment: The COL6A3 c.9508G>A variant is predicted to result in the amino acid substitution p.Gly3170Arg. This variant has been reported with a second COL6A3 missense variant in two individuals with features of muscular dystrophy (Supp Table 3, Ek et al. 2023. PubMed ID: 37273706; Supp. Table 5 (Patient 9), Meinke et al. 2020. PubMed ID: 31862442). This variant is reported in 0.0065% of alleles in individuals of South Asian descent in gnomAD. At this time, the clinical significance of this variant is uncertain due to the absence of conclusive functional and genetic evidence.

Revvity Omics, Revvity
Classification: Uncertain significance. Last evaluated: 2025-06-12. Review status: criteria provided, single submitter. Criteria: ACMG Guidelines, 2015. Collection method: clinical testing. Allele origin: germline.

GeneDx
Classification: Uncertain significance. Last evaluated: 2022-12-21. Review status: criteria provided, single submitter. Criteria: GeneDx Variant Classification Process June 2021. Collection method: clinical testing. Allele origin: germline. Affected: yes.
Comment: Identified in a patient with muscle wasting who also harbored variants in other genes (Meinke et al., 2020); In silico analysis supports that this missense variant does not alter protein structure/function; This variant is associated with the following publications: (PMID: 30564623, 31862442)

Eurofins Ntd Llc (ga)
Classification: Uncertain significance. Last evaluated: 2017-03-02. Review status: criteria provided, single submitter. Criteria: EGL Classification Definitions 2015. Collection method: clinical testing. Allele origin: germline. Observed: 3 variant alleles, 3 heterozygotes.